The following is an entry in ClinVar:

NC_000006.11:g.(?_91226220)_(91296602_?)dup

Gene: MAP3K7 (mitogen-activated protein kinase kinase kinase 7; minus strand). Cytogenetic location: 6q15.
Variant type: Duplication.
Identifiers: ClinVar variation 3246247 (VCV003246247.1).

ClinVar aggregate classification (germline): Uncertain significance (1 of 4 stars; one submission).

Submission:

Labcorp Genetics (formerly Invitae), Labcorp
Classification: Uncertain significance. Last evaluated: 2023-10-23. Review status: criteria provided, single submitter. Criteria: Invitae Variant Classification Sherloc (09022015). Collection method: clinical testing. Allele origin: unknown.
Comment: A copy number gain of the genomic region encompassing the full coding sequence of the MAP3K7 gene has been identified. The boundaries of this event are unknown as they extend beyond the assayed region for this gene and therefore may encompass additional genes. As the precise location of this event is unknown, it may be in tandem or it may be located elsewhere in the genome. This variant has not been reported in the literature in individuals affected with MAP3K7-related conditions. In summary, the available evidence is currently insufficient to determine the role of this variant in disease. Therefore, it has been classified as a Variant of Uncertain Significance.